The following is an entry in ClinVar:

ClinVar aggregate classification (germline): Uncertain significance (1 of 4 stars; one submission).

Conditions:
Multiple congenital anomalies-hypotonia-seizures syndrome 1 (MCAHS1). Also called: PIGN-CDG; Congenital disorder of glycosylation due to PIGN deficiency; GLYCOSYLPHOSPHATIDYLINOSITOL BIOSYNTHESIS DEFECT 3. Identifiers: Orphanet 280633, MedGen C3279775, MONDO:0013563, OMIM 614080.

Allele frequency attached by ClinVar (database versions not stated): gnomAD exomes below 0.00001; TOPMed 0.00001.
gnomAD v4.1: 1 of 1,596,086 alleles (0.000063%); highest among the groups gnomAD compares: African/African-American, 0.0013%; no homozygotes.

Submission:

Labcorp Genetics (formerly Invitae), Labcorp
Classification: Uncertain significance for Multiple congenital anomalies-hypotonia-seizures syndrome 1. Last evaluated: 2024-02-26. Review status: criteria provided, single submitter. Criteria: Invitae Variant Classification Sherloc (09022015). Collection method: clinical testing. Allele origin: germline.
Comment: This sequence change replaces tryptophan, which is neutral and slightly polar, with cysteine, which is neutral and slightly polar, at codon 689 of the PIGN protein (p.Trp689Cys). This variant is not present in population databases (gnomAD no frequency). This variant has not been reported in the literature in individuals affected with PIGN-related conditions. ClinVar contains an entry for this variant (Variation ID: 939382). Advanced modeling of protein sequence and biophysical properties (such as structural, functional, and spatial information, amino acid conservation, physicochemical variation, residue mobility, and thermodynamic stability) performed at Invitae indicates that this missense variant is expected to disrupt PIGN protein function with a positive predictive value of 80%. In summary, the available evidence is currently insufficient to determine the role of this variant in disease. Therefore, it has been classified as a Variant of Uncertain Significance.

NM_176787.5(PIGN):c.2067G>C (p.Trp689Cys)

Gene: PIGN (phosphatidylinositol glycan anchor biosynthesis class N; minus strand). Cytogenetic location: 18q21.33.
Variant type: single nucleotide variant.
Coding change: c.2067G>C on transcript NM_176787.5 (MANE Select); coding-DNA position 2067, G replaced by C.
Protein change: p.Trp689Cys; replaces tryptophan 689 with cysteine.
Molecular consequence: missense variant.
Genome position (GRCh38, 1-based): chr18:62,101,085, C>G on the plus strand (G>C on the coding strand, the complement: PIGN is on the minus strand). VCF-style: chr18-62101085-C-G. GRCh37 (hg19) VCF-style: chr18-59768318-C-G.
Other names: c.2067G>C, p.Trp689Cys (NM_012327.6); short protein forms W689C.
Identifiers: ClinVar variation 939382 (VCV000939382.8), dbSNP rs2034417333, ClinGen allele CA402603392.
Genomic context (GRCh38, chr18:62,101,085, plus strand): 5'-ATAACTAAGTTGATGTCAAATTACCTCACCTGGTTTGAGTGGCCTCTTACCTAATGTTGC[C>G]CAGCTAATAATTTGATTCATGAGAGGCAGTCCTTGCTTCCTGAGTAGACTACTCTGAGTG-3'
Protein context (NP_789744.1, residues 679-699): GLPLMNQIIS[Trp689Cys]ATLASSLVVP